The following is an entry in ClinVar:

ClinVar aggregate classification (germline): Benign/Likely benign. Review status: criteria provided, multiple submitters, no conflicts (2 of 4 stars). 6 submissions from 6 submitters: Benign (3); Likely benign (1). 2 of the submissions do not count toward it. Last evaluated 2026-02-04.

Conditions:
Noonan syndrome (NS). Also called: Noonan's syndrome. Identifiers: Orphanet 648, MedGen C0028326, MeSH D009634, MONDO:0018997. Disease mechanism: gain of function.

Allele frequency attached by ClinVar (database versions not stated): ESP Exome Variant Server 0.69683; ExAC 0.70345; gnomAD exomes 0.70736; gnomAD 0.71686 and 0.71978; TOPMed 0.72738; 1000 Genomes Project 30x 0.73626; 1000 Genomes Project 0.73822.
gnomAD v4.1: 1,099,222 of 1,610,700 alleles (68%); highest among the groups gnomAD compares: East Asian, 83%; 377,300 homozygotes.

Submissions (6):

Labcorp Genetics (formerly Invitae), Labcorp
Classification: Benign for Noonan syndrome. Last evaluated: 2026-02-04. Review status: criteria provided, single submitter. Criteria: Invitae Variant Classification Sherloc (09022015). Collection method: clinical testing. Allele origin: germline.

Blueprint Genetics
Classification: Likely benign. Last evaluated: 2024-11-28. Review status: criteria provided, single submitter. Criteria: ACMG Guidelines, 2015. Collection method: clinical testing. Allele origin: germline.

Women's Health and Genetics/Laboratory Corporation of America, LabCorp
Classification: Benign. Last evaluated: 2017-04-11. Review status: criteria provided, single submitter. Criteria: LabCorp Variant Classification Summary - May 2015. Collection method: clinical testing. Allele origin: germline.
Comment: Variant summary: The RRAS c.344+13G>A variant involves the alteration of a non-conserved intronic nucleotide. Mutation taster predicts a benign outcome for this variant. 3/5 splice prediction tools predict no significant impact on normal splicing. This variant was found in 85317/121284 control chromosomes from ExAC (including 30396 homozygotes) at a frequency of 0.7034481, thus allele A is the major allele a this position. Therefore, this variant is classified as Benign.

Breakthrough Genomics
Classification: Benign. Review status: criteria provided, single submitter. Criteria: ACMG Guidelines, 2015. Collection method: not provided. Allele origin: germline. Inheritance: Unknown mechanism. Affected: yes.

Clinical Genetics, Academic Medical Center
Classification: Benign. Review status: no assertion criteria provided. Collection method: clinical testing. Allele origin: germline. Affected: yes. Study: VKGL Data-share Consensus. Not counted in ClinVar's aggregate classification.

Joint Genome Diagnostic Labs from Nijmegen and Maastricht, Radboudumc and MUMC+
Classification: Benign. Review status: no assertion criteria provided. Collection method: clinical testing. Allele origin: germline. Affected: yes. Study: VKGL Data-share Consensus. Not counted in ClinVar's aggregate classification.

NM_006270.5(RRAS):c.344+13G>A

Gene: RRAS (RAS related; minus strand). Cytogenetic location: 19q13.33.
Variant type: single nucleotide variant.
Coding change: c.344+13G>A on transcript NM_006270.5 (MANE Select); 13 bases into the intron after coding-DNA position 344, G replaced by A.
Molecular consequence: intron variant.
Genome position (GRCh38, 1-based): chr19:49,636,811, C>T on the plus strand (G>A on the coding strand, the complement: RRAS is on the minus strand). VCF-style: chr19-49636811-C-T. GRCh37 (hg19) VCF-style: chr19-50140068-C-T.
Identifiers: ClinVar variation 496316 (VCV000496316.16), dbSNP rs1368464, ClinGen allele CA9579061.